The following is an entry in ClinVar:

NM_017636.4(TRPM4):c.535G>A (p.Gly179Arg)

Gene: TRPM4 (transient receptor potential cation channel subfamily M member 4; plus strand). Cytogenetic location: 19q13.33.
Variant type: single nucleotide variant.
Coding change: c.535G>A on transcript NM_017636.4 (MANE Select); coding-DNA position 535, G replaced by A.
Protein change: p.Gly179Arg; replaces glycine 179 with arginine.
Molecular consequence: missense variant. On other transcripts: 5 prime UTR variant (1), intron variant (2).
Genome position (GRCh38, 1-based): chr19:49,168,346, G>A. VCF-style: chr19-49168346-G-A. GRCh37 (hg19) VCF-style: chr19-49671603-G-A.
Other names: c.535G>A, p.Gly179Arg (NM_001195227.2); c.-1019G>A (NM_001321282.2); c.13G>A, p.Gly5Arg (NM_001321283.2); c.268-207G>A (NM_001321281.2); c.-237-207G>A (NM_001321285.2); short protein forms G179R, G5R.
Identifiers: ClinVar variation 3462163 (VCV003462163.1).

ClinVar aggregate classification (germline): Uncertain significance (1 of 4 stars; one submission).

Conditions:
Cardiovascular phenotype. Identifiers: MedGen CN230736.

Submission:

Ambry Genetics
Classification: Uncertain significance for Cardiovascular phenotype. Last evaluated: 2024-12-09. Review status: criteria provided, single submitter. Criteria: Ambry Variant Classification Scheme 2023. Collection method: clinical testing. Allele origin: germline.
Comment: The p.G179R variant (also known as c.535G>A), located in coding exon 5 of the TRPM4 gene, results from a G to A substitution at nucleotide position 535. The glycine at codon 179 is replaced by arginine, an amino acid with dissimilar properties. This amino acid position is conserved. In addition, this alteration is predicted to be tolerated by in silico analysis. Based on the available evidence, the clinical significance of this variant remains unclear.